The following is an entry in ClinVar:

ClinVar aggregate classification (germline): Uncertain significance (1 of 4 stars; one submission).

Conditions:
Cardiovascular phenotype. Identifiers: MedGen CN230736.

Submission:

Ambry Genetics
Classification: Uncertain significance for Cardiovascular phenotype. Last evaluated: 2024-10-22. Review status: criteria provided, single submitter. Criteria: Ambry Variant Classification Scheme 2023. Collection method: clinical testing. Allele origin: germline.
Comment: The p.S192A variant (also known as c.574T>G), located in coding exon 2 of the JPH2 gene, results from a T to G substitution at nucleotide position 574. The serine at codon 192 is replaced by alanine, an amino acid with similar properties. This amino acid position is conserved. In addition, this alteration is predicted to be tolerated by in silico analysis. Based on the available evidence, the clinical significance of this variant remains unclear.

NM_020433.5(JPH2):c.574T>G (p.Ser192Ala)

Gene: JPH2 (junctophilin 2; minus strand). Cytogenetic location: 20q13.12.
Variant type: single nucleotide variant.
Coding change: c.574T>G on transcript NM_020433.5 (MANE Select); coding-DNA position 574, T replaced by G.
Protein change: p.Ser192Ala; replaces serine 192 with alanine.
Molecular consequence: missense variant.
Genome position (GRCh38, 1-based): chr20:44,160,213, A>C on the plus strand (T>G on the coding strand, the complement: JPH2 is on the minus strand). VCF-style: chr20-44160213-A-C. GRCh37 (hg19) VCF-style: chr20-42788853-A-C.
Other names: short protein forms S192A.
Identifiers: ClinVar variation 3531492 (VCV003531492.1).